The following is an entry in ClinVar:

ClinVar aggregate classification (germline): Pathogenic/Likely pathogenic. Review status: criteria provided, multiple submitters, no conflicts (2 of 4 stars). 3 submissions from 3 submitters: Pathogenic (1); Likely pathogenic (1). 1 of the submissions does not count toward it. Last evaluated 2020-12-18.

Conditions:
Galactosylceramide beta-galactosidase deficiency. Also called: Krabbe Disease; GALACTOCEREBROSIDASE DEFICIENCY; GALC DEFICIENCY; GLOBOID CELL LEUKOENCEPHALOPATHY; Leukodystrophy, Globoid Cell. Identifiers: Orphanet 487, MedGen C0023521, MONDO:0009499, OMIM 245200.

Submissions (3):

Labcorp Genetics (formerly Invitae), Labcorp
Classification: Pathogenic for Galactosylceramide beta-galactosidase deficiency. Last evaluated: 2020-12-18. Review status: criteria provided, single submitter. Criteria: Invitae Variant Classification Sherloc (09022015). Collection method: clinical testing. Allele origin: germline.
Comment: This sequence change creates a premature translational stop signal (p.Gly362Trpfs*14) in the GALC gene. It is expected to result in an absent or disrupted protein product. This variant is present in population databases (rs767236077, ExAC 0.005%). This variant has not been reported in the literature in individuals with GALC-related conditions. Loss-of-function variants in GALC are known to be pathogenic (PMID: 7437911, 9272171, 16607461). For these reasons, this variant has been classified as Pathogenic.

Clinical Genetics and Genomics, Karolinska University Hospital
Classification: Likely pathogenic. Last evaluated: 2017-07-11. Review status: criteria provided, single submitter. Criteria: ACMG Guidelines, 2015. Collection method: clinical testing. Allele origin: germline. Affected: yes. Observed: 2 variant alleles.

Natera, Inc.
Classification: Pathogenic for Galactosylceramide beta-galactosidase deficiency. Last evaluated: 2021-05-24. Review status: no assertion criteria provided. Collection method: clinical testing. Allele origin: germline. Not counted in ClinVar's aggregate classification.

Literature cited by the submitters: PubMed 7437911 (cited by Labcorp Genetics (formerly Invitae), Labcorp); PubMed 9272171 (cited by Labcorp Genetics (formerly Invitae), Labcorp); PubMed 16607461 (cited by Labcorp Genetics (formerly Invitae), Labcorp).

NM_000153.4(GALC):c.1083dup (p.Gly362fs)

Gene: GALC (galactosylceramidase; minus strand). Cytogenetic location: 14q31.3.
Variant type: Duplication.
Coding change: c.1083dup on transcript NM_000153.4 (MANE Select); coding-DNA position 1083, one base duplicated (T; older notation c.1083dupT).
Protein change: p.Gly362fs; shifts the reading frame from glycine 362.
Molecular consequence: frameshift variant.
Genome position (GRCh38, 1-based): chr14:87,963,462, A duplicated on the plus strand (T on the coding strand, the reverse complement: GALC is on the minus strand); the first of 2 consecutive A bases (chr14:87,963,462-87,963,463); duplicating either gives the same sequence. VCF-style (leftmost placement, unchanged base first): chr14-87963461-C-CA. GRCh37 (hg19) VCF-style: chr14-88429805-C-CA.
Other names: c.1014dup, p.Gly339fs (NM_001201401.2); c.1005dup, p.Gly336fs (NM_001201402.2); short protein forms G336fs, G339fs, G362fs.
Identifiers: ClinVar variation 988317 (VCV000988317.11), dbSNP rs767236077, ClinGen allele CA7297155.